The following is an entry in ClinVar:

ClinVar aggregate classification (germline): Benign/Likely benign. Review status: criteria provided, multiple submitters, no conflicts (2 of 4 stars). 4 submissions from 4 submitters: Benign (3); Likely benign (1). Last evaluated 2026-01-31.

Conditions:
Congenital muscular dystrophy due to partial LAMA2 deficiency. Identifiers: MedGen C1842898.
LAMA2-related muscular dystrophy (LAMA2-RD). Also called: Laminin alpha 2-related dystrophy. Identifiers: MedGen C5679788, MONDO:0100228.

Allele frequency attached by ClinVar (database versions not stated): gnomAD exomes 0.00238; ExAC 0.00281; gnomAD 0.00915; ESP Exome Variant Server 0.00992; TOPMed 0.01035; 1000 Genomes Project 0.01038; 1000 Genomes Project 30x 0.01062.
gnomAD v4.1: 2,803 of 1,608,336 alleles (0.17%); highest among the groups gnomAD compares: African/African-American, 3.3%; 52 homozygotes.

Submissions (4):

Labcorp Genetics (formerly Invitae), Labcorp
Classification: Benign for LAMA2-related muscular dystrophy. Last evaluated: 2026-01-31. Review status: criteria provided, single submitter. Criteria: Invitae Variant Classification Sherloc (09022015). Collection method: clinical testing. Allele origin: germline.

Illumina Laboratory Services, Illumina
Classification: Benign for Congenital muscular dystrophy due to partial LAMA2 deficiency. Last evaluated: 2018-01-13. Review status: criteria provided, single submitter. Criteria: ICSL Variant Classification Criteria 13 December 2019. Collection method: clinical testing. Allele origin: germline.
Comment: This variant was observed in the ICSL laboratory as part of a predisposition screen in an ostensibly healthy population. It had not been previously curated by ICSL or reported in the Human Gene Mutation Database (HGMD: prior to June 1st, 2018), and was therefore a candidate for classification through an automated scoring system. Utilizing variant allele frequency, disease prevalence and penetrance estimates, and inheritance mode, an automated score was calculated to assess if this variant is too frequent to cause the disease. Based on the score and internal cut-off values, a variant classified as benign is not then subjected to further curation. The score for this variant resulted in a classification of benign for this disease.

GeneDx
Classification: Benign. Last evaluated: 2017-04-03. Review status: criteria provided, single submitter. Criteria: GeneDx Variant Classification (06012015). Collection method: clinical testing. Allele origin: germline. Affected: yes.
Comment: This variant is considered likely benign or benign based on one or more of the following criteria: it is a conservative change, it occurs at a poorly conserved position in the protein, it is predicted to be benign by multiple in silico algorithms, and/or has population frequency not consistent with disease.

PreventionGenetics, part of Exact Sciences
Classification: Likely benign. Review status: criteria provided, single submitter. Criteria: ACMG Guidelines, 2015. Collection method: clinical testing. Allele origin: germline.

NM_000426.4(LAMA2):c.1206+11C>T

Gene: LAMA2 (laminin subunit alpha 2; plus strand). Cytogenetic location: 6q22.33.
Variant type: single nucleotide variant.
Coding change: c.1206+11C>T on transcript NM_000426.4 (MANE Select); 11 bases into the intron after coding-DNA position 1206, C replaced by T.
Molecular consequence: intron variant.
Genome position (GRCh38, 1-based): chr6:129,154,694, C>T. VCF-style: chr6-129154694-C-T. GRCh37 (hg19) VCF-style: chr6-129475839-C-T.
Other names: c.1206+11C>T (NM_001079823.2).
Identifiers: ClinVar variation 256050 (VCV000256050.17), dbSNP rs115007959, ClinGen allele CA3992538.
Genomic context (GRCh38, chr6:129,154,694, plus strand): 5'-CTGGTATAAACTGCGAGACATGTACTGATGGCTTCTTCAGACCCAAAGGGGTAAAGTATG[C>T]TTTTTCTTTCATAAAGAGTTATTTTTTTGCTTTTTCATACAAAAATGTTTTATACAAAAA-3'